The following continues an entry in ClinVar:

NM_000059.4(BRCA2):c.8243G>A (p.Gly2748Asp)

Gene: BRCA2. ClinVar aggregate classification (germline): Pathogenic. Pathogenic (1). ClinVar aggregate classification (oncogenicity): Oncogenic.

Submissions 21 to 27 of 27:

Counsyl
Classification: Pathogenic for Breast-ovarian cancer, familial, susceptibility to, 2. Last evaluated: 2016-11-28. Review status: no assertion criteria provided. Collection method: clinical testing. Allele origin: unknown. Not counted in ClinVar's aggregate classification.

Sharing Clinical Reports Project (SCRP)
Classification: Pathogenic for Breast-ovarian cancer, familial 2. Last evaluated: 2010-04-26. Review status: no assertion criteria provided. Collection method: clinical testing. Allele origin: germline. Not counted in ClinVar's aggregate classification.

Breast Cancer Information Core (BIC) (BRCA2)
Classification: Uncertain significance for Breast-ovarian cancer, familial 2. Last evaluated: 2002-05-29. Review status: no assertion criteria provided. Collection method: clinical testing. Allele origin: germline. Affected: yes. Observed: 9 variant alleles. Not counted in ClinVar's aggregate classification.

Clinical Genetics DNA and cytogenetics Diagnostics Lab, Erasmus MC, Erasmus Medical Center
Classification: Pathogenic. Review status: no assertion criteria provided. Collection method: clinical testing. Allele origin: germline. Affected: yes. Study: VKGL Data-share Consensus. Not counted in ClinVar's aggregate classification.

Clinical Genetics Laboratory, Department of Pathology, Netherlands Cancer Institute
Classification: Pathogenic. Review status: no assertion criteria provided. Collection method: clinical testing. Allele origin: germline. Affected: yes. Study: VKGL Data-share Consensus. Not counted in ClinVar's aggregate classification.

Department of Pathology and Laboratory Medicine, Sinai Health System
Classification: Likely pathogenic. Review status: no assertion criteria provided. Collection method: clinical testing. Allele origin: unknown. Affected: yes. Study: The Canadian Open Genetics Repository (COGR). Not counted in ClinVar's aggregate classification.
Comment: The p.Gly2748Asp variant has been reported in the literature in 3/3590 proband chromosomes of individuals with hereditary breast and ovarian cancer and ovarian carcinoma, although no control chromosomes were tested to establish the frequency in the general population (Alsop 2012, Balia 2011, Claes 2004, Farrugia 2008, Karchin 2008, Lindor 2012, Easton 2007). The p.Gly2748 residue is conserved across mammals and computational analyses (PolyPhen, SIFT, AlignGVGD, BLOSUM) suggest that the p.Gly2748Asp variant may impact the protein. However, this information is not predictive enough to assume pathogenicity. The variant is listed in the dbSNP database (ID#:rs80359071) as coming from a "clinical source" but no frequency information was provided, and so the prevalence of this variant in the population is not known. In a study that interrogated the Myriad Genetic Laboratories database to assess the clinical significance of BRCA1/2 sequence variants, segregation studies and statistical analyses suggested the p.G2748D variant was in â€šÃ„Ãºfavour of causalityâ€šÃ„Ã¹ (Easton 2007). In addition, functional studies have shown that the homologous recombination repair activity is compromised, as determined by transient overexpression of this variant protein, and that it leads to an increase in the proportion of cells undergoing aberrant centriole amplification (Balia 2011, Farrugia 2008). In summary, based on the above information, the clinical significance of this variant cannot be determined with certainty at this time, although we would lean towards a more pathogenic role for this variant. This variant is classified as Predicted Pathogenic.

Joint Genome Diagnostic Labs from Nijmegen and Maastricht, Radboudumc and MUMC+
Classification: Pathogenic. Review status: no assertion criteria provided. Collection method: clinical testing. Allele origin: germline. Affected: yes. Study: VKGL Data-share Consensus. Not counted in ClinVar's aggregate classification.

Literature cited by the submitters: PubMed 23108138 (cited by 10 submitters); PubMed 15026808 (cited by 8 submitters); PubMed 17924331 (cited by 5 submitters); PubMed 22711857 (cited by 5 submitters); PubMed 33609447 (cited by 5 submitters); PubMed 18451181 (cited by 7 submitters); PubMed 21671020 (cited by 6 submitters); PubMed 23328489 (cited by 8 submitters); PubMed 25146914 (cited by 9 submitters); PubMed 24323938 (cited by 4 submitters); PubMed 19043619 (cited by 4 submitters); PubMed 21990134 (cited by 3 submitters); PubMed 35402282 (cited by Quest Diagnostics Nichols Institute San Juan Capistrano); PubMed 26824983 (cited by 6 submitters); PubMed 33964450 (cited by Quest Diagnostics Nichols Institute San Juan Capistrano and Mayo Clinic Laboratories, Mayo Clinic); PubMed 33978741 (cited by Quest Diagnostics Nichols Institute San Juan Capistrano and All of Us Research Program, National Institutes of Health); PubMed 34235180 (cited by Quest Diagnostics Nichols Institute San Juan Capistrano and Ambry Genetics); PubMed 26295337 (cited by Quest Diagnostics Nichols Institute San Juan Capistrano); PubMed 29884841 (cited by Variantyx, Inc. and Women's Health and Genetics/Laboratory Corporation of America, LabCorp); PubMed 35736817 (cited by 3 submitters); PubMed 25447315 (cited by Variantyx, Inc. and Women's Health and Genetics/Laboratory Corporation of America, LabCorp); PubMed 29988080 (cited by 3 submitters); PubMed 31853058 (cited by Color Diagnostics, LLC DBA Color Health); PubMed 32444794 (cited by Color Diagnostics, LLC DBA Color Health and Ambry Genetics); PubMed 33471991 (cited by Color Diagnostics, LLC DBA Color Health); PubMed 39779857 (cited by Color Diagnostics, LLC DBA Color Health); PubMed 18951461 (cited by Ambry Genetics); PubMed 25085752 (cited by 3 submitters); PubMed 29446198 (cited by Ambry Genetics and Women's Health and Genetics/Laboratory Corporation of America, LabCorp); PubMed 30078507 (cited by 3 submitters); PubMed 30702160 (cited by Ambry Genetics and All of Us Research Program, National Institutes of Health); PubMed 30720243 (cited by Ambry Genetics); PubMed 29394989 (cited by 3 submitters); PubMed 12228710 (cited by Mayo Clinic Laboratories, Mayo Clinic); PubMed 18403564 (cited by Women's Health and Genetics/Laboratory Corporation of America, LabCorp); PubMed 24504028 (cited by Women's Health and Genetics/Laboratory Corporation of America, LabCorp and Counsyl); PubMed 18951449 (cited by Women's Health and Genetics/Laboratory Corporation of America, LabCorp); PubMed 29922827 (cited by Women's Health and Genetics/Laboratory Corporation of America, LabCorp); PubMed 29580235 (cited by Women's Health and Genetics/Laboratory Corporation of America, LabCorp); PubMed 36988593 (cited by Laboratory for Genotyping Development, RIKEN).